The following is an entry in ClinVar:

NM_004380.3(CREBBP):c.2254C>T (p.Gln752Ter)

Gene: CREBBP (CREB binding protein; minus strand). Cytogenetic location: 16p13.3.
Variant type: single nucleotide variant.
Coding change: c.2254C>T on transcript NM_004380.3 (MANE Select); coding-DNA position 2254, C replaced by T.
Protein change: p.Gln752Ter; replaces glutamine 752 with a stop codon.
Molecular consequence: nonsense.
Genome position (GRCh38, 1-based): chr16:3,774,598, G>A on the plus strand (C>T on the coding strand, the complement: CREBBP is on the minus strand). VCF-style: chr16-3774598-G-A. GRCh37 (hg19) VCF-style: chr16-3824599-G-A.
Other names: c.2140C>T, p.Gln714Ter (NM_001079846.1); short protein forms Q714*, Q752*.
Identifiers: ClinVar variation 3340950 (VCV003340950.1).

ClinVar aggregate classification (germline): Pathogenic (1 of 4 stars; one submission).

Submission:

GeneDx
Classification: Pathogenic. Last evaluated: 2023-10-26. Review status: criteria provided, single submitter. Criteria: GeneDx Variant Classification Process June 2021. Collection method: clinical testing. Allele origin: germline. Affected: yes.
Comment: Reported in a cohort of individuals with Rubinstein-Taybi syndrome, but without specific clinical details provided (PMID: 32594341); Nonsense variant predicted to result in protein truncation or nonsense mediated decay in a gene for which loss of function is a known mechanism of disease; Not observed at significant frequency in large population cohorts (gnomAD); This variant is associated with the following publications: (PMID: 32594341)